The following is an entry in ClinVar:

NM_032242.4(PLXNA1):c.3012C>T (p.Ser1004=)

Genes: PLXNA1 (plexin A1; plus strand), LOC129937476 (ATAC-STARR-seq lymphoblastoid active region 20450; plus strand). Cytogenetic location: 3q21.3.
Variant type: single nucleotide variant.
Coding change: c.3012C>T on transcript NM_032242.4 (MANE Select); coding-DNA position 3012, C replaced by T.
Protein change: p.Ser1004=; no amino-acid change (serine 1004 retained).
Molecular consequence: synonymous variant.
Genome position (GRCh38, 1-based): chr3:127,015,318, C>T. VCF-style: chr3-127015318-C-T. GRCh37 (hg19) VCF-style: chr3-126734161-C-T.
Identifiers: ClinVar variation 3353244 (VCV003353244.1).
Genomic context (GRCh38, chr3:127,015,318, plus strand): 5'-CCACCTGAACGCAGGCAGTGATGTGGCTGTGTCGGTCGGTGGCCGGCCCTGCTCCTTCTC[C>T]TGGTACGGGGTGCAGGTGGGGGTGGGGGCCTGGCTGCCCCTCCTCCTGTTTCAGATGGTT-3'
Protein context (NP_115618.3, residues 994-1014): VSVGGRPCSF[Ser1004=]WRNSREIRCL

ClinVar aggregate classification (germline): Likely benign (0 of 4 stars; one submission).

Conditions:
PLXNA1-related disorder. Also called: PLXNA1-related condition.

Submission:

PreventionGenetics, part of Exact Sciences
Classification: Likely benign for PLXNA1-related condition. Last evaluated: 2022-05-20. Review status: no assertion criteria provided. Collection method: clinical testing. Allele origin: germline.
Comment: This variant is classified as likely benign based on ACMG/AMP sequence variant interpretation guidelines (Richards et al. 2015 PMID: 25741868, with internal and published modifications).